The following is an entry in ClinVar:

ClinVar aggregate classification (germline): Uncertain significance (1 of 4 stars; one submission).

Conditions:
Hyperphosphatasia with impaired intellectual development syndrome 2. Also called: Hyperphosphatasia with intellectual disability syndrome 2; GLYCOSYLPHOSPHATIDYLINOSITOL BIOSYNTHESIS DEFECT 6. Identifiers: Orphanet 247262, MedGen C3553637, MONDO:0013882, OMIM 614749.

Allele frequency attached by ClinVar (database versions not stated): gnomAD 0.00001.

Submission:

Labcorp Genetics (formerly Invitae), Labcorp
Classification: Uncertain significance for Hyperphosphatasia with impaired intellectual development syndrome 2. Last evaluated: 2022-10-17. Review status: criteria provided, single submitter. Criteria: Invitae Variant Classification Sherloc (09022015). Collection method: clinical testing. Allele origin: germline.
Comment: This variant is not present in population databases (gnomAD no frequency). This sequence change replaces proline, which is neutral and non-polar, with glutamine, which is neutral and polar, at codon 888 of the PIGO protein (p.Pro888Gln). In summary, the available evidence is currently insufficient to determine the role of this variant in disease. Therefore, it has been classified as a Variant of Uncertain Significance. Advanced modeling of protein sequence and biophysical properties (such as structural, functional, and spatial information, amino acid conservation, physicochemical variation, residue mobility, and thermodynamic stability) performed at Invitae indicates that this missense variant is not expected to disrupt PIGO protein function. ClinVar contains an entry for this variant (Variation ID: 1363046). This variant has not been reported in the literature in individuals affected with PIGO-related conditions.

NM_032634.4(PIGO):c.2663C>A (p.Pro888Gln)

Gene: PIGO (phosphatidylinositol glycan anchor biosynthesis class O; minus strand). Cytogenetic location: 9p13.3.
Variant type: single nucleotide variant.
Coding change: c.2663C>A on transcript NM_032634.4 (MANE Select); coding-DNA position 2663, C replaced by A.
Protein change: p.Pro888Gln; replaces proline 888 with glutamine.
Molecular consequence: missense variant.
Genome position (GRCh38, 1-based): chr9:35,090,657, G>T on the plus strand (C>A on the coding strand, the complement: PIGO is on the minus strand). VCF-style: chr9-35090657-G-T. GRCh37 (hg19) VCF-style: chr9-35090654-G-T.
Other names: c.1412C>A, p.Pro471Gln (NM_001201484.2, NM_152850.4); short protein forms P471Q, P888Q.
Identifiers: ClinVar variation 1363046 (VCV001363046.8), dbSNP rs1829377572, ClinGen allele CA373318441.